The following is an entry in ClinVar:

NM_004036.5(ADCY3):c.1049G>C (p.Arg350Pro)

Gene: ADCY3 (adenylate cyclase 3; minus strand). Cytogenetic location: 2p23.3.
Variant type: single nucleotide variant.
Coding change: c.1049G>C on transcript NM_004036.5 (MANE Select); coding-DNA position 1049, G replaced by C.
Protein change: p.Arg350Pro; replaces arginine 350 with proline.
Molecular consequence: missense variant.
Genome position (GRCh38, 1-based): chr2:24,841,575, C>G on the plus strand (G>C on the coding strand, the complement: ADCY3 is on the minus strand). VCF-style: chr2-24841575-C-G. GRCh37 (hg19) VCF-style: chr2-25064444-C-G.
Other names: c.1049G>C, p.Arg350Pro (NM_001320613.2, NM_001377128.1, NM_001377129.1 and 2 more transcripts); c.326G>C, p.Arg109Pro (NM_001377131.1); short protein forms R109P, R350P.
Identifiers: ClinVar variation 3349482 (VCV003349482.1).

ClinVar aggregate classification (germline): Uncertain significance (0 of 4 stars; one submission).

Conditions:
ADCY3-related disorder. Also called: ADCY3-related condition.

Submission:

PreventionGenetics, part of Exact Sciences
Classification: Uncertain significance for ADCY3-related condition. Last evaluated: 2024-01-29. Review status: no assertion criteria provided. Collection method: clinical testing. Allele origin: germline.
Comment: The ADCY3 c.1049G>C variant is predicted to result in the amino acid substitution p.Arg350Pro. To our knowledge, this variant has not been reported in the literature or in a large population database, indicating this variant is rare. At this time, the clinical significance of this variant is uncertain due to the absence of conclusive functional and genetic evidence.